The following is an entry in ClinVar:

NM_020921.4(NIN):c.933G>C (p.Leu311=)

Gene: NIN (ninein; minus strand). Cytogenetic location: 14q22.1.
Variant type: single nucleotide variant.
Coding change: c.933G>C on transcript NM_020921.4 (MANE Select); coding-DNA position 933, G replaced by C.
Protein change: p.Leu311=; no amino-acid change (leucine 311 retained).
Molecular consequence: synonymous variant.
Genome position (GRCh38, 1-based): chr14:50,772,349, C>G on the plus strand (G>C on the coding strand, the complement: NIN is on the minus strand). VCF-style: chr14-50772349-C-G. GRCh37 (hg19) VCF-style: chr14-51239067-C-G.
Other names: c.933G>C, p.Leu311= (NM_016350.5, NM_182944.3, NM_182946.2).
Identifiers: ClinVar variation 129803 (VCV000129803.18), dbSNP rs8020503, ClinGen allele CA154120.

ClinVar aggregate classification (germline): Benign. Review status: criteria provided, multiple submitters, no conflicts (2 of 4 stars). 6 submissions from 6 submitters: Benign (5). 1 of the submissions does not count toward it. Last evaluated 2026-02-04.

Conditions:
Seckel syndrome 7 (SCKL7). Identifiers: Orphanet 319675, MedGen C3553870, MONDO:0013922, OMIM 614851.

Allele frequency attached by ClinVar (database versions not stated): ESP Exome Variant Server 0.99070; TOPMed 0.99105; 1000 Genomes Project 30x 0.99204; 1000 Genomes Project 0.99241; gnomAD 0.99252; gnomAD exomes 0.99918.
gnomAD v4.1: 1,611,206 of 1,613,636 alleles (100%); highest among the groups gnomAD compares: East Asian, 100%; 804,428 homozygotes.

Submissions (6):

Labcorp Genetics (formerly Invitae), Labcorp
Classification: Benign. Last evaluated: 2026-02-04. Review status: criteria provided, single submitter. Criteria: Invitae Variant Classification Sherloc (09022015). Collection method: clinical testing. Allele origin: germline.

Blueprint Genetics
Classification: Benign. Last evaluated: 2024-11-27. Review status: criteria provided, single submitter. Criteria: ACMG Guidelines, 2015. Collection method: clinical testing. Allele origin: germline.

Genome-Nilou Lab
Classification: Benign for Seckel syndrome 7. Last evaluated: 2021-09-05. Review status: criteria provided, single submitter. Criteria: ACMG Guidelines, 2015. Collection method: clinical testing. Allele origin: germline. Affected: no.

GeneDx
Classification: Benign. Last evaluated: 2021-05-04. Review status: criteria provided, single submitter. Criteria: GeneDx Variant Classification Process June 2021. Collection method: clinical testing. Allele origin: germline. Affected: yes.

Breakthrough Genomics
Classification: Benign. Review status: criteria provided, single submitter. Criteria: ACMG Guidelines, 2015. Collection method: not provided. Allele origin: germline. Inheritance: Autosomal recessive inheritance. Affected: yes.

Genetic Services Laboratory, University of Chicago
Classification: Likely benign for AllHighlyPenetrant. Review status: no assertion criteria provided. Collection method: clinical testing. Allele origin: germline. Inheritance: Autosomal recessive inheritance. Not counted in ClinVar's aggregate classification.
Comment: Likely benign based on allele frequency in 1000 Genomes Project or ESP global frequency and its presence in a patient with a rare or unrelated disease phenotype. NOT Sanger confirmed.